The following is an entry in ClinVar:

ClinVar aggregate classification (germline): Uncertain significance (1 of 4 stars; one submission).

Conditions:
Inborn genetic diseases. Identifiers: MedGen C0950123, MeSH D030342.

gnomAD v4.1: 7 of 1,534,572 alleles (0.00046%); highest among the groups gnomAD compares: Admixed American, 0.002%; no homozygotes.

Submission:

Ambry Genetics
Classification: Uncertain significance for Inborn genetic diseases. Last evaluated: 2026-07-23. Review status: criteria provided, single submitter. Criteria: Ambry Variant Classification Scheme 2023. Collection method: clinical testing. Allele origin: germline.
Comment: The c.658G>A (p.G220S) alteration is located in exon 1 (coding exon 1) of the FOXF1 gene. This alteration results from a G to A substitution at nucleotide position 658, causing the glycine (G) at amino acid position 220 to be replaced by a serine (S). Based on data from gnomAD, the A allele has an overall frequency of 0.001% (1/130672) total alleles studied. The highest observed frequency was 0.004% (1/24262) of Latino alleles. Based on insufficient or conflicting evidence, the clinical significance of this alteration remains unclear.

NM_001451.3(FOXF1):c.658G>A (p.Gly220Ser)

Gene: FOXF1 (forkhead box F1; plus strand). Cytogenetic location: 16q24.1.
Variant type: single nucleotide variant.
Coding change: c.658G>A on transcript NM_001451.3 (MANE Select); coding-DNA position 658, G replaced by A.
Protein change: p.Gly220Ser; replaces glycine 220 with serine.
Molecular consequence: missense variant.
Genome position (GRCh38, 1-based): chr16:86,511,227, G>A. VCF-style: chr16-86511227-G-A. GRCh37 (hg19) VCF-style: chr16-86544833-G-A.
Other names: short protein forms G220S.
Identifiers: ClinVar variation 5022013 (VCV005022013.1).
Genomic context (GRCh38, chr16:86,511,227, plus strand): 5'-CCGGGCAACGTGGACGGCATGGCCCTGCCCAGCCACTCGGTGCCCCACCTGCCTTCCAAC[G>A]GCGGCCACTCGTACATGGGCGGCTGCGGCGGCGCGGCGGCCGGCGAGTACCCGCACCACG-3'
Protein context (NP_001442.2, residues 210-230): SHSVPHLPSN[Gly220Ser]GHSYMGGCGG